The following is an entry in ClinVar:

NM_007294.4(BRCA1):c.134+14T>C

Gene: BRCA1 (BRCA1 DNA repair associated; minus strand). Cytogenetic location: 17q21.31.
Variant type: single nucleotide variant.
Coding change: c.134+14T>C on transcript NM_007294.4 (MANE Select); 14 bases into the intron after coding-DNA position 134, T replaced by C.
Molecular consequence: intron variant.
Genome position (GRCh38, 1-based): chr17:43,115,712, A>G on the plus strand (T>C on the coding strand, the complement: BRCA1 is on the minus strand). VCF-style: chr17-43115712-A-G. GRCh37 (hg19) VCF-style: chr17-41267729-A-G.
Other names: c.-8+14T>C (NM_001408410.1, NM_001407741.1, NM_001408458.1 and 47 more transcripts); c.134+14T>C (NM_001408415.1, NM_001407634.1, NM_001407610.1 and 191 more transcripts); c.-55+14T>C (NM_001408483.1, NM_001407885.1, NM_001407886.1 and 52 more transcripts); c.-219+9565T>C (NM_001407967.1); c.-170+9565T>C (NM_001407959.1); c.-7-9179T>C (NM_001407931.1, NM_001407747.1, NM_001408511.1 and 2 more transcripts); c.-170+14T>C (NM_001407962.1, NM_001408512.1, NM_001408510.1 and 1 more transcripts); c.-124+14T>C (NM_001407746.1, NM_001408468.1, NM_001407842.1 and 13 more transcripts); and 10 more.
Identifiers: ClinVar variation 867529 (VCV000867529.8), dbSNP rs2055239309, ClinGen allele CA916080966.

ClinVar aggregate classification (germline): Likely benign (1 of 4 stars; one submission).

Conditions:
Hereditary breast ovarian cancer syndrome. Also called: Hereditary breast and ovarian cancer; Hereditary breast and ovarian cancer syndrome (HBOC); Breast and ovarian cancer; Hereditary breast and/or ovarian cancer syndrome; BRCA1- and BRCA2-Associated Hereditary Breast and Ovarian Cancer; Hereditary breast and ovarian cancer syndrome. Identifiers: Orphanet 145, MedGen C0677776, MeSH D061325, MONDO:0003582. Disease mechanism: loss of function.

Submissions (2):

Labcorp Genetics (formerly Invitae), Labcorp
Classification: Likely benign for Hereditary breast ovarian cancer syndrome. Last evaluated: 2022-07-25. Review status: criteria provided, single submitter. Criteria: Invitae Variant Classification Sherloc (09022015). Collection method: clinical testing. Allele origin: germline.

Brotman Baty Institute, University of Washington
No classification provided (evidence only). Condition: Breast-ovarian cancer, familial 1. Review status: no classification provided. Collection method: in vitro. Allele origin: not applicable. Functional consequence: functionally_normal. Not counted in ClinVar's aggregate classification.
ClinVar note: "not provided" was previously submitted as the classification for the variant. However, the classification appeared to be based only on an observation of functional data so it was converted to no classification on 2025-07-30.